The following is an entry in ClinVar:

NM_005477.3(HCN4):c.3573G>T (p.Arg1191Ser)

Gene: HCN4 (hyperpolarization activated cyclic nucleotide gated potassium channel 4; minus strand). Cytogenetic location: 15q24.1.
Variant type: single nucleotide variant.
Coding change: c.3573G>T on transcript NM_005477.3 (MANE Select); coding-DNA position 3573, G replaced by T.
Protein change: p.Arg1191Ser; replaces arginine 1191 with serine.
Molecular consequence: missense variant.
Genome position (GRCh38, 1-based): chr15:73,322,520, C>A on the plus strand (G>T on the coding strand, the complement: HCN4 is on the minus strand). VCF-style: chr15-73322520-C-A. GRCh37 (hg19) VCF-style: chr15-73614861-C-A.
Other names: short protein forms R1191S.
Identifiers: ClinVar variation 3713679 (VCV003713679.2).

ClinVar aggregate classification (germline): Uncertain significance (1 of 4 stars; one submission).

Conditions:
Brugada syndrome 8 (BRGDA8). Identifiers: Orphanet 130, MedGen C2751083, MONDO:0013148, OMIM 613123.

gnomAD v4.1: 4 of 1,603,048 alleles (0.00025%); highest among the groups gnomAD compares: Admixed American, 0.0068%; no homozygotes.

Submission:

Labcorp Genetics (formerly Invitae), Labcorp
Classification: Uncertain significance for Brugada syndrome 8. Last evaluated: 2024-08-08. Review status: criteria provided, single submitter. Criteria: Invitae Variant Classification Sherloc (09022015). Collection method: clinical testing. Allele origin: germline.
Comment: This sequence change replaces arginine, which is basic and polar, with serine, which is neutral and polar, at codon 1191 of the HCN4 protein (p.Arg1191Ser). The frequency data for this variant in the population databases is considered unreliable, as metrics indicate poor data quality at this position in the gnomAD database. This variant has not been reported in the literature in individuals affected with HCN4-related conditions. Advanced modeling of protein sequence and biophysical properties (such as structural, functional, and spatial information, amino acid conservation, physicochemical variation, residue mobility, and thermodynamic stability) performed at Invitae indicates that this missense variant is not expected to disrupt HCN4 protein function with a negative predictive value of 95%. In summary, the available evidence is currently insufficient to determine the role of this variant in disease. Therefore, it has been classified as a Variant of Uncertain Significance.